The following is an entry in ClinVar:

NM_212482.4(FN1):c.7154C>T (p.Thr2385Met)

Genes: ATIC (5-aminoimidazole-4-carboxamide ribonucleotide formyltransferase/IMP cyclohydrolase; plus strand), FN1 (fibronectin 1; minus strand). Cytogenetic location: 2q35.
Variant type: single nucleotide variant.
Coding change: c.7154C>T on transcript NM_212482.4 (MANE Select); coding-DNA position 7154, C replaced by T.
Protein change: p.Thr2385Met; replaces threonine 2385 with methionine.
Molecular consequence: missense variant.
Genome position (GRCh38, 1-based): chr2:215,364,976, G>A on the plus strand (C>T on the coding strand, the complement: FN1 is on the minus strand). VCF-style: chr2-215364976-G-A. GRCh37 (hg19) VCF-style: chr2-216229699-G-A.
Other names: c.7061C>T, p.Thr2354Met (NM_001306129.2); c.6524C>T, p.Thr2175Met (NM_001306130.2); c.6518C>T, p.Thr2173Met (NM_001306131.2); c.6443C>T, p.Thr2148Met (NM_001306132.2); c.6884C>T, p.Thr2295Met (NM_001365517.2); c.6881C>T, p.Thr2294Met (NM_001365518.2); c.6809C>T, p.Thr2270Met (NM_001365519.2); c.6806C>T, p.Thr2269Met (NM_001365520.2); and 8 more; short protein forms T2148M, T2204M, T2238M, T2173M, T2264M, T2295M, T2385M, T2175M.
Identifiers: ClinVar variation 2287435 (VCV002287435.4), dbSNP rs747253191, ClinGen allele CA2093633.

ClinVar aggregate classification (germline): Uncertain significance. Review status: criteria provided, multiple submitters, no conflicts (2 of 4 stars). 3 submissions from 3 submitters: Uncertain significance (3). Last evaluated 2025-03-21.

Conditions:
Spondylometaphyseal dysplasia - Sutcliffe type. Also called: Sutcliffe type of spondylometaphyseal dysplasia; Sutcliffe SMD; Spondylometaphyseal Dysplasia, Corner Fracture Type; Spondylometaphyseal dysplasia, 'corner fracture' type. Identifiers: Orphanet 93315, MedGen C0432221, MONDO:0008479, OMIM 184255.
Glomerulopathy with fibronectin deposits 2 (GFND2). Identifiers: Orphanet 84090, MedGen C1866075, MONDO:0011165, OMIM 601894.
Birt-Hogg-Dube syndrome 1 (BHD1). Also called: FIBROFOLLICULOMAS WITH TRICHODISCOMAS AND ACROCHORDONS. Identifiers: Orphanet 122, MedGen CN375946, MONDO:0800445, OMIM 135150.
Inborn genetic diseases. Identifiers: MedGen C0950123, MeSH D030342.

Allele frequency attached by ClinVar (database versions not stated): gnomAD 0.00001.
gnomAD v4.1: 12 of 1,571,826 alleles (0.00076%); highest among the groups gnomAD compares: South Asian, 0.0035%; no homozygotes.

Submissions (3):

Johns Hopkins Genomics, Johns Hopkins University
Classification: Uncertain significance for Birt-Hogg-Dube syndrome 1. Last evaluated: 2025-03-21. Review status: criteria provided, single submitter. Criteria: ACMG Guidelines, 2015. Collection method: clinical testing. Allele origin: germline.
Comment: This FN1 variant (rs747253191) is rare (<0.1%) in a large population dataset (gnomAD: 1/193438 total alleles, MAF 0.0005%, no homozygotes) and has been reported in ClinVar. This variant has not been reported in the literature in individuals with FN1- related renal disease. Of two bioinformatics tools queried, one predicts that the substitution would be damaging, while another predicts that it would be tolerated. However, these algorithms have low specificity, especially for predicting gain of function variants. The threonine residue at this position is strongly conserved across the vertebrate species assessed. Bioinformatic analysis predicts that this missense variant would not affect normal exon 44 splicing, although this has not been confirmed experimentally to our knowledge. We consider the clinical significance of FN1 c.7154C>T to be uncertain at this time.

Fulgent Genetics
Classification: Uncertain significance for Spondylometaphyseal dysplasia - Sutcliffe type; Glomerulopathy with fibronectin deposits 2. Last evaluated: 2024-03-07. Review status: criteria provided, single submitter. Criteria: ACMG Guidelines, 2015. Collection method: clinical testing. Allele origin: germline.

Ambry Genetics
Classification: Uncertain significance for Inborn genetic diseases. Last evaluated: 2022-05-04. Review status: criteria provided, single submitter. Criteria: Ambry Variant Classification Scheme 2023. Collection method: clinical testing. Allele origin: germline.

Literature cited by the submitters: PubMed 18268355 (cited by Johns Hopkins Genomics, Johns Hopkins University); PubMed 39368581 (cited by Johns Hopkins Genomics, Johns Hopkins University).